The following is an entry in ClinVar:

ClinVar aggregate classification (germline): Uncertain significance (1 of 4 stars; one submission).

Conditions:
Neuroblastoma, susceptibility to, 3. Also called: ALK-Related Neuroblastic Tumor Susceptibility. Identifiers: Orphanet 635, MedGen C2751681, MONDO:0013083, OMIM 613014.

Allele frequency attached by ClinVar (database versions not stated): gnomAD exomes below 0.00001.
gnomAD v4.1: 1 of 1,613,906 alleles (0.000062%); highest among the groups gnomAD compares: Non-Finnish European, 0.000085%; no homozygotes.

Submission:

Labcorp Genetics (formerly Invitae), Labcorp
Classification: Uncertain significance for Neuroblastoma, susceptibility to, 3. Last evaluated: 2019-11-26. Review status: criteria provided, single submitter. Criteria: Invitae Variant Classification Sherloc (09022015). Collection method: clinical testing. Allele origin: germline.
Comment: In summary, the available evidence is currently insufficient to determine the role of this variant in disease. Therefore, it has been classified as a Variant of Uncertain Significance. Algorithms developed to predict the effect of missense changes on protein structure and function (SIFT, PolyPhen-2, Align-GVGD) all suggest that this variant is likely to be disruptive, but these predictions have not been confirmed by published functional studies and their clinical significance is uncertain. This variant has not been reported in the literature in individuals with ALK-related conditions. This variant is not present in population databases (ExAC no frequency). This sequence change replaces threonine with proline at codon 1151 of the ALK protein (p.Thr1151Pro). The threonine residue is highly conserved and there is a small physicochemical difference between threonine and proline.

NM_004304.5(ALK):c.3451A>C (p.Thr1151Pro)

Gene: ALK (ALK receptor tyrosine kinase; minus strand). Cytogenetic location: 2p23.2.
Variant type: single nucleotide variant.
Coding change: c.3451A>C on transcript NM_004304.5 (MANE Select); coding-DNA position 3451, A replaced by C.
Protein change: p.Thr1151Pro; replaces threonine 1151 with proline.
Molecular consequence: missense variant.
Genome position (GRCh38, 1-based): chr2:29,222,408, T>G on the plus strand (A>C on the coding strand, the complement: ALK is on the minus strand). VCF-style: chr2-29222408-T-G. GRCh37 (hg19) VCF-style: chr2-29445274-T-G.
Other names: c.247A>C, p.Thr83Pro (NM_001353765.2); short protein forms T1151P, T83P.
Identifiers: ClinVar variation 843226 (VCV000843226.9), dbSNP rs1669828114, ClinGen allele CA346463359.